The following is an entry in ClinVar:

ClinVar aggregate classification (germline): Likely benign. Review status: criteria provided, multiple submitters, no conflicts (2 of 4 stars). 2 submissions from 2 submitters: Likely benign (2). Last evaluated 2024-04-16.

Conditions:
Malignant hyperthermia, susceptibility to, 1 (MHS1). Also called: Anesthesia related hyperthermia; Malignant hyperpyrexia; Fulminating hyperpyrexia; Pharmacogenic myopathy; Malignant hyperthermia suceptibility 1; RYR1-Related Malignant Hyperthermia Susceptibility. Identifiers: Orphanet 423, MedGen C2930980, MONDO:0007783, OMIM 145600.

gnomAD v4.1: 7 of 1,613,734 alleles (0.00043%); highest among the groups gnomAD compares: Admixed American, 0.0017%; no homozygotes.

Submissions (2):

All of Us Research Program, National Institutes of Health
Classification: Likely benign for Malignant hyperthermia, susceptibility to, 1. Last evaluated: 2024-04-16. Review status: criteria provided, single submitter. Criteria: ACMG Guidelines, 2015. Collection method: clinical testing. Allele origin: germline. Inheritance: Autosomal dominant inheritance. Observed: 1 variant allele, 1 heterozygote.
Comment: This study involves interpretation of variants in research participants for the purpose of population health screening. Participant phenotype was not available at the time of variant classification. Additional details can be found in publication PMID: 35346344, PMCID: PMC8962531

Color Diagnostics, LLC DBA Color Health
Classification: Likely benign for Malignant hyperthermia, susceptibility to, 1. Last evaluated: 2022-11-06. Review status: criteria provided, single submitter. Criteria: ACMG Guidelines, 2015. Collection method: clinical testing. Allele origin: germline.

NM_000540.3(RYR1):c.11607C>T (p.Asn3869=)

Gene: RYR1 (ryanodine receptor 1; plus strand). Cytogenetic location: 19q13.2.
Variant type: single nucleotide variant.
Coding change: c.11607C>T on transcript NM_000540.3 (MANE Select); coding-DNA position 11607, C replaced by T.
Protein change: p.Asn3869=; no amino-acid change (asparagine 3869 retained).
Molecular consequence: synonymous variant.
Genome position (GRCh38, 1-based): chr19:38,536,766, C>T. VCF-style: chr19-38536766-C-T. GRCh37 (hg19) VCF-style: chr19-39027406-C-T.
Other names: c.11592C>T, p.Asn3864= (NM_001042723.2).
Identifiers: ClinVar variation 3385562 (VCV003385562.2).